The following is an entry in ClinVar:

NM_020937.4(FANCM):c.4222G>T (p.Asp1408Tyr)

Gene: FANCM (FA complementation group M; plus strand). Cytogenetic location: 14q21.2.
Variant type: single nucleotide variant.
Coding change: c.4222G>T on transcript NM_020937.4 (MANE Select); coding-DNA position 4222, G replaced by T.
Protein change: p.Asp1408Tyr; replaces aspartic acid 1408 with tyrosine.
Molecular consequence: missense variant.
Genome position (GRCh38, 1-based): chr14:45,176,976, G>T. VCF-style: chr14-45176976-G-T. GRCh37 (hg19) VCF-style: chr14-45646179-G-T.
Other names: c.4144G>T, p.Asp1382Tyr (NM_001308133.2); short protein forms D1382Y, D1408Y.
Identifiers: ClinVar variation 4077391 (VCV004077391.1).
Genomic context (GRCh38, chr14:45,176,976, plus strand): 5'-CTAGAAAAGTCTAAAAGCAGTGGTCCAATGTATCTGCATAAATCCTGTCATTCTGTTGAA[G>T]GTAAGATTCCATCTTTATAAAGTCTATAACTCTTTCTAGAATAATTACTCTAGAAATACT-3'
Protein context (NP_065988.1, residues 1398-1418): YLHKSCHSVE[Asp1408Tyr]GQLLTSNESE

ClinVar aggregate classification (germline): Pathogenic (1 of 4 stars; one submission).

Conditions:
Familial cancer of breast. Also called: Hereditary breast cancer; BREAST CANCER, FAMILIAL; hereditary breast carcinoma. Identifiers: Orphanet 227535, MedGen C0346153, MONDO:0016419, OMIM 114480. Disease mechanism: loss of function.

Submission:

Department of Genetics and Molecular Biology, Isfahan University of Medical Sciences
Classification: Pathogenic for Familial cancer of breast. Last evaluated: 2024-05-10. Review status: criteria provided, single submitter. Criteria: ACMG Guidelines, 2015. Collection method: clinical testing. Allele origin: germline. Inheritance: Autosomal dominant inheritance. Affected: yes. Observed: 1 heterozygote.
Comment: This variant affects the canonical splice acceptor site preceding exon 15 of the FANCM gene, and is predicted to cause aberrant splicing, most likely exon 15 skipping. Given the coding frame in this region, such an event would be expected to result in a frameshift and premature termination codon, leading either to nonsense-mediated decay (NMD) of the transcript or production of a truncated protein lacking the C-terminal domains. This variant also met some lines of ACMG guideline (PVS1, PM2, PP1, PP3 and PP4) being pathogenic.

Literature cited by the submitters: DOI 10.3390/cancers15133313.